The following is an entry in ClinVar:

NM_000166.6(GJB1):c.399_420dup (p.Phe141fs)

Gene: GJB1 (gap junction protein beta 1; plus strand). Cytogenetic location: Xq13.1.
Variant type: Duplication.
Coding change: c.399_420dup on transcript NM_000166.6 (MANE Select); coding-DNA positions 399 to 420, 22 bases duplicated (GACCTATGTCATCAGCGTGGTG).
Protein change: p.Phe141fs; shifts the reading frame from phenylalanine 141.
Molecular consequence: frameshift variant.
Genome position (GRCh38, 1-based): chrX:71,224,106-71,224,127, GACCTATGTCATCAGCGTGGTG duplicated; duplicating any 22 consecutive bases within chrX:71,224,100-71,224,127 gives the same sequence; the c. name uses the placement nearest the transcript's 3' end. VCF-style (leftmost placement, unchanged base first): chrX-71224099-T-TGTGGTGGACCTATGTCATCAGC. GRCh37 (hg19) VCF-style: chrX-70443949-T-TGTGGTGGACCTATGTCATCAGC.
Other names: c.399_420dup, p.Phe141fs (NM_001097642.3, NM_001440770.1); short protein forms F141fs.
Identifiers: ClinVar variation 4728262 (VCV004728262.1).
Genomic context (GRCh38, chrX:71,224,099, plus strand): 5'-ATGGGGACCCCCTACACCTGGAGGAGGTGAAGAGGCACAAGGTCCACATCTCAGGGACAC[T>TGTGGTGGACCTATGTCATCAGC]GTGGTGGACCTATGTCATCAGCGTGGTGTTCCGGCTGTTGTTTGAGGCCGTCTTCATGTA-3'

ClinVar aggregate classification (germline): Pathogenic (1 of 4 stars; one submission).

Conditions:
Charcot-Marie-Tooth Neuropathy X. Identifiers: MedGen CN118851.

Submission:

Labcorp Genetics (formerly Invitae), Labcorp
Classification: Pathogenic for Charcot-Marie-Tooth Neuropathy X. Last evaluated: 2025-10-01. Review status: criteria provided, single submitter. Criteria: Invitae Variant Classification Sherloc (09022015). Collection method: clinical testing. Allele origin: germline.
Comment: This sequence change creates a premature translational stop signal (p.Phe141Aspfs*13) in the GJB1 gene. While this is not anticipated to result in nonsense mediated decay, it is expected to disrupt the last 143 amino acid(s) of the GJB1 protein. This variant is not present in population databases (gnomAD no frequency). This variant has not been reported in the literature in individuals affected with GJB1-related conditions. This variant disrupts a region of the GJB1 protein in which other variant(s) (p.Arg220*) have been determined to be pathogenic (PMID: 7477983, 8162049, 9364054, 21291455). This suggests that this is a clinically significant region of the protein, and that variants that disrupt it are likely to be disease-causing. For these reasons, this variant has been classified as Pathogenic.

Literature cited by the submitters: PubMed 7477983; PubMed 8162049; PubMed 9364054; PubMed 21291455.